The following is an entry in ClinVar:

NM_032217.5(ANKRD17):c.4366G>T (p.Ala1456Ser)

Gene: ANKRD17 (ankyrin repeat domain 17; minus strand). Cytogenetic location: 4q13.3.
Variant type: single nucleotide variant.
Coding change: c.4366G>T on transcript NM_032217.5 (MANE Select); coding-DNA position 4366, G replaced by T.
Protein change: p.Ala1456Ser; replaces alanine 1456 with serine.
Molecular consequence: missense variant.
Genome position (GRCh38, 1-based): chr4:73,113,827, C>A on the plus strand (G>T on the coding strand, the complement: ANKRD17 is on the minus strand). VCF-style: chr4-73113827-C-A. GRCh37 (hg19) VCF-style: chr4-73979544-C-A.
Other names: c.4027G>T, p.Ala1343Ser (NM_001286771.3); c.4363G>T, p.Ala1455Ser (NM_015574.2); c.3613G>T, p.Ala1205Ser (NM_198889.3); short protein forms A1205S, A1343S, A1455S, A1456S.
Identifiers: ClinVar variation 4537593 (VCV004537593.1).

ClinVar aggregate classification (germline): Uncertain significance (1 of 4 stars; one submission).

Submission:

GeneDx
Classification: Uncertain significance. Last evaluated: 2025-06-09. Review status: criteria provided, single submitter. Criteria: GeneDx Variant Classification Process June 2021. Collection method: clinical testing. Allele origin: germline. Affected: yes.
Comment: Not observed at significant frequency in large population cohorts (gnomAD); In silico analysis supports that this missense variant has a deleterious effect on protein structure/function; Has not been previously published as pathogenic or benign to our knowledge